The following is an entry in ClinVar:

NM_006231.4(POLE):c.4867G>A (p.Asp1623Asn)

Gene: POLE (DNA polymerase epsilon, catalytic subunit; minus strand). Cytogenetic location: 12q24.33.
Variant type: single nucleotide variant.
Coding change: c.4867G>A on transcript NM_006231.4 (MANE Select); coding-DNA position 4867, G replaced by A.
Protein change: p.Asp1623Asn; replaces aspartic acid 1623 with asparagine.
Molecular consequence: missense variant.
Genome position (GRCh38, 1-based): chr12:132,642,591, C>T on the plus strand (G>A on the coding strand, the complement: POLE is on the minus strand). VCF-style: chr12-132642591-C-T. GRCh37 (hg19) VCF-style: chr12-133219177-C-T.
Other names: c.4867G>A (NM_006231.2); short protein forms D1623N.
Identifiers: ClinVar variation 834586 (VCV000834586.10), dbSNP rs2042172769, ClinGen allele CA387378089.
Genomic context (GRCh38, chr12:132,642,591, plus strand): 5'-GGCAGGTGTCCAGGTTGAGGTAGTGACGGATCATGCGCCGGGCTCCATGGCGCTGCCAGT[C>T]CAGGACCCCATAGTTGATCTTGTCAGCCACACAGATAGGCACCAGTGGGAATTCCTCCAA-3'
Protein context (NP_006222.2, residues 1613-1633): VADKINYGVL[Asp1623Asn]WQRHGARRMI

ClinVar aggregate classification (germline): Conflicting classifications of pathogenicity. Review status: criteria provided, conflicting classifications (1 of 4 stars). 2 submissions from 2 submitters: Uncertain significance (1); Likely benign (1). Last evaluated 2026-05-19.

Conditions:
Hereditary cancer-predisposing syndrome. Also called: Tumor predisposition; Neoplastic Syndromes, Hereditary; Hereditary neoplastic syndrome; Hereditary Cancer Syndrome. Identifiers: Orphanet 140162, MedGen C0027672, MeSH D009386, MONDO:0015356.

Submissions (2):

Ambry Genetics
Classification: Likely benign for Hereditary cancer-predisposing syndrome. Last evaluated: 2026-05-19. Review status: criteria provided, single submitter. Criteria: Ambry Variant Classification Scheme 2023. Collection method: clinical testing. Allele origin: germline.

Labcorp Genetics (formerly Invitae), Labcorp
Classification: Uncertain significance. Last evaluated: 2024-07-02. Review status: criteria provided, single submitter. Criteria: Invitae Variant Classification Sherloc (09022015). Collection method: clinical testing. Allele origin: germline.
Comment: This sequence change replaces aspartic acid, which is acidic and polar, with asparagine, which is neutral and polar, at codon 1623 of the POLE protein (p.Asp1623Asn). This variant is not present in population databases (gnomAD no frequency). This variant has not been reported in the literature in individuals affected with POLE-related conditions. ClinVar contains an entry for this variant (Variation ID: 834586). Advanced modeling of protein sequence and biophysical properties (such as structural, functional, and spatial information, amino acid conservation, physicochemical variation, residue mobility, and thermodynamic stability) performed at Invitae indicates that this missense variant is not expected to disrupt POLE protein function with a negative predictive value of 80%. In summary, the available evidence is currently insufficient to determine the role of this variant in disease. Therefore, it has been classified as a Variant of Uncertain Significance.